The following is an entry in ClinVar:

ClinVar aggregate classification (germline): Uncertain significance (1 of 4 stars; one submission).

Conditions:
Fetal akinesia deformation sequence 1 (FADS1). Also called: Fetal akinesia sequence; Pena-Shokeir syndrome type I. Identifiers: Orphanet 994, MedGen C1276035, MONDO:0100101, OMIM 208150, HP:0001989.
Congenital myasthenic syndrome 10. Also called: Myasthenia, limb-girdle, familial. Identifiers: Orphanet 590, MedGen C1850792, MONDO:0009690, OMIM 254300.

Submission:

Labcorp Genetics (formerly Invitae), Labcorp
Classification: Uncertain significance for Congenital myasthenic syndrome 10; Fetal akinesia deformation sequence 1. Last evaluated: 2021-09-16. Review status: criteria provided, single submitter. Criteria: Invitae Variant Classification Sherloc (09022015). Collection method: clinical testing. Allele origin: germline.
Comment: This sequence change falls in intron 3 of the DOK7 gene. It does not directly change the encoded amino acid sequence of the DOK7 protein. It affects a nucleotide within the consensus splice site of the intron. This variant is not present in population databases (ExAC no frequency). This variant has not been reported in the literature in individuals affected with DOK7-related conditions. Variants that disrupt the consensus splice site are a relatively common cause of aberrant splicing (PMID: 17576681, 9536098). Algorithms developed to predict the effect of sequence changes on RNA splicing suggest that this variant may disrupt the consensus splice site. In summary, the available evidence is currently insufficient to determine the role of this variant in disease. Therefore, it has been classified as a Variant of Uncertain Significance.

Literature cited by the submitters: PubMed 17576681; PubMed 9536098.

NM_173660.5(DOK7):c.331+4_331+5del

Gene: DOK7 (docking protein 7; plus strand). Cytogenetic location: 4p16.3.
Variant type: Deletion.
Coding change: c.331+4_331+5del on transcript NM_173660.5 (MANE Select); bases 4 to 5 of the intron after coding-DNA position 331, 2 bases deleted (AG; older notation c.331+4_331+5delAG).
Molecular consequence: intron variant.
Genome position (GRCh38, 1-based): chr4:3,473,640-3,473,641, AG deleted; deleting any 2 consecutive bases within chr4:3,473,639-3,473,641 gives the same sequence; the c. name uses the placement nearest the transcript's 3' end. VCF-style (leftmost placement, unchanged base first): chr4-3473638-TGA-T. GRCh37 (hg19) VCF-style: chr4-3475365-TGA-T.
Other names: c.331+4_331+5del (NM_001301071.2, NM_001164673.2); c.100+10089_100+10090del (NM_001363811.2).
Identifiers: ClinVar variation 1381564 (VCV001381564.6), dbSNP rs2109336551, ClinGen allele CA2573137591.